The following is an entry in ClinVar:

ClinVar aggregate classification (germline): Uncertain significance (1 of 4 stars; one submission).

Submission:

GeneDx
Classification: Uncertain significance. Last evaluated: 2023-11-29. Review status: criteria provided, single submitter. Criteria: GeneDx Variant Classification Process June 2021. Collection method: clinical testing. Allele origin: germline. Affected: yes.
Comment: Not observed at significant frequency in large population cohorts (gnomAD); Has not been previously published as pathogenic or benign to our knowledge

NM_000089.4(COL1A2):c.*6C>T

Gene: COL1A2 (collagen type I alpha 2 chain; plus strand). Cytogenetic location: 7q21.3.
Variant type: single nucleotide variant.
Coding change: c.*6C>T on transcript NM_000089.4 (MANE Select); 6 bases downstream of the stop codon, C replaced by T.
Molecular consequence: 3 prime UTR variant.
Genome position (GRCh38, 1-based): chr7:94,430,399, C>T. VCF-style: chr7-94430399-C-T. GRCh37 (hg19) VCF-style: chr7-94059711-C-T.
Identifiers: ClinVar variation 3364917 (VCV003364917.1).